The following is an entry in ClinVar:

ClinVar aggregate classification (germline): Uncertain significance (1 of 4 stars; one submission).

Conditions:
Neuropathy, hereditary sensory and autonomic, type 2A (HSAN2A). Also called: WNK1-Related HSAN2 (HSAN2A); HSAN IIA; ACROOSTEOLYSIS, GIACCAI TYPE; ACROOSTEOLYSIS, NEUROGENIC; MORVAN DISEASE; NEUROPATHY, CONGENITAL SENSORY. Identifiers: Orphanet 970, MedGen C2752089, MONDO:0024309, OMIM 201300.
Generalized epilepsy with febrile seizures plus, type 7 (GEFSP7). Also called: GEFS+, TYPE 7. Identifiers: Orphanet 36387, MedGen C2751778, MONDO:0013470, OMIM 613863.

Allele frequency attached by ClinVar (database versions not stated): gnomAD 0.00001; gnomAD exomes 0.00002; ExAC 0.00005.
gnomAD v4.1: 32 of 1,602,300 alleles (0.002%); highest among the groups gnomAD compares: East Asian, 0.069%; no homozygotes.

Submission:

Labcorp Genetics (formerly Invitae), Labcorp
Classification: Uncertain significance for Neuropathy, hereditary sensory and autonomic, type 2A; Generalized epilepsy with febrile seizures plus, type 7. Last evaluated: 2022-08-24. Review status: criteria provided, single submitter. Criteria: Invitae Variant Classification Sherloc (09022015). Collection method: clinical testing. Allele origin: germline.
Comment: In summary, the available evidence is currently insufficient to determine the role of this variant in disease. Therefore, it has been classified as a Variant of Uncertain Significance. Algorithms developed to predict the effect of missense changes on protein structure and function (SIFT, PolyPhen-2, Align-GVGD) all suggest that this variant is likely to be tolerated. This variant has not been reported in the literature in individuals affected with SCN9A-related conditions. This variant is present in population databases (rs756476767, gnomAD 0.04%). This sequence change replaces alanine, which is neutral and non-polar, with valine, which is neutral and non-polar, at codon 83 of the SCN9A protein (p.Ala83Val).

NM_001365536.1(SCN9A):c.248C>T (p.Ala83Val)

Gene: SCN9A (sodium voltage-gated channel alpha subunit 9; minus strand). Cytogenetic location: 2q24.3.
Variant type: single nucleotide variant.
Coding change: c.248C>T on transcript NM_001365536.1 (MANE Select); coding-DNA position 248, C replaced by T.
Protein change: p.Ala83Val; replaces alanine 83 with valine.
Molecular consequence: missense variant.
Genome position (GRCh38, 1-based): chr2:166,311,509, G>A on the plus strand (C>T on the coding strand, the complement: SCN9A is on the minus strand). VCF-style: chr2-166311509-G-A. GRCh37 (hg19) VCF-style: chr2-167168019-G-A.
Other names: c.248C>T, p.Ala83Val (NM_002977.4); short protein forms A83V.
Identifiers: ClinVar variation 2158129 (VCV002158129.4), dbSNP rs756476767, ClinGen allele CA1944861.